The following is an entry in ClinVar:

NM_001379451.1(BCORL1):c.3555G>A (p.Pro1185=)

Gene: BCORL1 (BCL6 corepressor like 1; plus strand). Cytogenetic location: Xq26.1.
Variant type: single nucleotide variant.
Coding change: c.3555G>A on transcript NM_001379451.1 (MANE Select); coding-DNA position 3555, G replaced by A.
Protein change: p.Pro1185=; no amino-acid change (proline 1185 retained).
Molecular consequence: synonymous variant.
Genome position (GRCh38, 1-based): chrX:130,021,098, G>A. VCF-style: chrX-130021098-G-A. GRCh37 (hg19) VCF-style: chrX-129155073-G-A.
Other names: c.3555G>A, p.Pro1185= (NM_001184772.3, NM_001379450.1, NM_021946.5).
Identifiers: ClinVar variation 759837 (VCV000759837.27), dbSNP rs61754128, ClinGen allele CA10514533.
Genomic context (GRCh38, chrX:130,021,098, plus strand): 5'-GGCTTCAGATTCAGGAAAAGAGCACAATGGAGTCAGGGGAAAGCACAAGCACCGGAAGCC[G>A]ACAAAGCCGGAGTCCCAGTCTCCAGGAAAACGAGCCGACAGCCACGAGGAAGGTAGGCCC-3'
Protein context (NP_001366380.1, residues 1175-1195): GVRGKHKHRK[Pro1185=]TKPESQSPGK

ClinVar aggregate classification (germline): Likely benign. Review status: criteria provided, multiple submitters, no conflicts (2 of 4 stars). 2 submissions from 2 submitters: Likely benign (2). Last evaluated 2023-10-01.

Allele frequency attached by ClinVar (database versions not stated): ESP Exome Variant Server 0.00019; ExAC 0.00024; TOPMed 0.00024; gnomAD 0.00026 and 0.00027; gnomAD exomes 0.00030 and 0.00038.
gnomAD v4.1: 436 of 1,199,439 alleles (0.036%); highest among the groups gnomAD compares: South Asian, 0.06%; no homozygotes.

Submissions (2):

CeGaT Center for Human Genetics Tuebingen
Classification: Likely benign. Last evaluated: 2023-10-01. Review status: criteria provided, single submitter. Criteria: CeGaT Center For Human Genetics Tuebingen Variant Classification Criteria Version 2. Collection method: clinical testing. Allele origin: germline. Affected: yes. Observed: 1 variant allele.
Comment: BCORL1: BP4, BP7, BS2

Labcorp Genetics (formerly Invitae), Labcorp
Classification: Likely benign. Last evaluated: 2018-07-16. Review status: criteria provided, single submitter. Criteria: Invitae Variant Classification Sherloc (09022015). Collection method: clinical testing. Allele origin: germline.